The following is an entry in ClinVar:

ClinVar aggregate classification (germline): Uncertain significance (1 of 4 stars; one submission).

Submission:

Labcorp Genetics (formerly Invitae), Labcorp
Classification: Uncertain significance. Last evaluated: 2022-07-30. Review status: criteria provided, single submitter. Criteria: Invitae Variant Classification Sherloc (09022015). Collection method: clinical testing. Allele origin: germline.
Comment: This sequence change replaces threonine, which is neutral and polar, with isoleucine, which is neutral and non-polar, at codon 1516 of the CDH23 protein (p.Thr1516Ile). This variant is not present in population databases (gnomAD no frequency). This variant has not been reported in the literature in individuals affected with CDH23-related conditions. Algorithms developed to predict the effect of missense changes on protein structure and function are either unavailable or do not agree on the potential impact of this missense change (SIFT: "Deleterious"; PolyPhen-2: "Not Available"; Align-GVGD: "Class C65"). In summary, the available evidence is currently insufficient to determine the role of this variant in disease. Therefore, it has been classified as a Variant of Uncertain Significance.

NM_022124.6(CDH23):c.4547C>T (p.Thr1516Ile)

Gene: CDH23 (cadherin related 23; plus strand). Cytogenetic location: 10q22.1.
Variant type: single nucleotide variant.
Coding change: c.4547C>T on transcript NM_022124.6 (MANE Select); coding-DNA position 4547, C replaced by T.
Protein change: p.Thr1516Ile; replaces threonine 1516 with isoleucine.
Molecular consequence: missense variant.
Genome position (GRCh38, 1-based): chr10:71,740,880, C>T. VCF-style: chr10-71740880-C-T. GRCh37 (hg19) VCF-style: chr10-73500637-C-T.
Other names: short protein forms T1516I.
Identifiers: ClinVar variation 2159979 (VCV002159979.4), dbSNP rs2132846236, ClinGen allele CA377160521.
Genomic context (GRCh38, chr10:71,740,880, plus strand): 5'-AGGTTGTGGCTTCTGACCGAGGCACCCCTCCACGGAAGAAGGACCACATCCTGCAGGTGA[C>T]CATCCTGGACATCAATGACAACCCTCCAGTCATCGAGAGCCCCTTTGGATACAATGTCAG-3'
Protein context (NP_071407.4, residues 1506-1526): PRKKDHILQV[Thr1516Ile]ILDINDNPPV